The following is an entry in ClinVar:

NM_005045.4(RELN):c.2764A>G (p.Ile922Val)

Gene: RELN (reelin; minus strand). Cytogenetic location: 7q22.1.
Variant type: single nucleotide variant.
Coding change: c.2764A>G on transcript NM_005045.4 (MANE Select); coding-DNA position 2764, A replaced by G.
Protein change: p.Ile922Val; replaces isoleucine 922 with valine.
Molecular consequence: missense variant.
Genome position (GRCh38, 1-based): chr7:103,611,742, T>C on the plus strand (A>G on the coding strand, the complement: RELN is on the minus strand). VCF-style: chr7-103611742-T-C. GRCh37 (hg19) VCF-style: chr7-103252189-T-C.
Other names: c.2764A>G, p.Ile922Val (NM_173054.3); short protein forms I922V.
Identifiers: ClinVar variation 4531229 (VCV004531229.1).

ClinVar aggregate classification (germline): Uncertain significance (1 of 4 stars; one submission).

Conditions:
Norman-Roberts syndrome (LIS2). Also called: Lissencephaly 2 (Norman-Roberts type). Identifiers: Orphanet 89844, MedGen C0796089, MONDO:0009760, OMIM 257320.
Familial temporal lobe epilepsy 7. Identifiers: Orphanet 101046, MedGen C4225327, MONDO:0014639, OMIM 616436.

Submission:

Juno Genomics, Hangzhou Juno Genomics, Inc
Classification: Uncertain significance for Familial temporal lobe epilepsy 7; Norman-Roberts syndrome. Review status: criteria provided, single submitter. Criteria: ACMG Guidelines, 2015. Collection method: clinical testing. Allele origin: germline. Affected: yes.
Comment: Absent from controls (or at extremely low frequency if recessive) in Genome Aggregation Database, Exome Sequencing Project, 1000 Genomes Project, or Exome Aggregation Consortium.;Multiple lines of computational evidence support a deleterious effect on the gene or gene product (conservation, evolutionary, splicing impact, etc).;Missense variant in a gene that has a low rate of benign missense variation and where missense variants are a common mechanism of disease.